The following is an entry in ClinVar:

NM_000503.6(EYA1):c.557-54C>T

Gene: EYA1 (EYA transcriptional coactivator and phosphatase 1; minus strand). Cytogenetic location: 8q13.3.
Variant type: single nucleotide variant.
Coding change: c.557-54C>T on transcript NM_000503.6 (MANE Select); 54 bases into the intron before coding-DNA position 557, C replaced by T.
Molecular consequence: intron variant.
Genome position (GRCh38, 1-based): chr8:71,299,774, G>A on the plus strand (C>T on the coding strand, the complement: EYA1 is on the minus strand). VCF-style: chr8-71299774-G-A. GRCh37 (hg19) VCF-style: chr8-72212009-G-A.
Other names: c.626-54C>T (NM_001370336.1); c.644-54C>T (NM_001370333.1); c.557-54C>T (NM_001370335.1, NM_001370334.1, NM_172058.4); c.629-54C>T (NM_172059.5); c.191-54C>T (NM_001288575.2); c.539-54C>T (NM_001288574.2).
Identifiers: ClinVar variation 682966 (VCV000682966.2), dbSNP rs74879112, ClinGen allele CA12791513.
Genomic context (GRCh38, chr8:71,299,774, plus strand): 5'-CTGCTACCTAAAACAAAATGAAAAGAAATACGATTATACCAGGCTTGTGGAATAATGTGG[G>A]TACAGGAAAATAGCATTTAGAAAAGGCAGAATTGGTATTTGGTTTATCTTCGACACTAGA-3'

ClinVar aggregate classification (germline): Likely benign. Review status: criteria provided, multiple submitters, no conflicts (2 of 4 stars). 2 submissions from 2 submitters: Likely benign (2). Last evaluated 2018-06-16.

Allele frequency attached by ClinVar (database versions not stated): 1000 Genomes Project 30x 0.00859; 1000 Genomes Project 0.00899; TOPMed 0.01767; gnomAD 0.01879 and 0.01902; gnomAD exomes 0.02383; ESP Exome Variant Server 0.02456.
gnomAD v4.1: 21,929 of 953,448 alleles (2.3%); highest among the groups gnomAD compares: Middle Eastern, 4.6%; 357 homozygotes.

Submissions (2):

GeneDx
Classification: Likely benign. Last evaluated: 2018-06-16. Review status: criteria provided, single submitter. Criteria: GeneDx Variant Classification (06012015). Collection method: clinical testing. Allele origin: germline. Affected: yes.
Comment: This variant is considered likely benign or benign based on one or more of the following criteria: it is a conservative change, it occurs at a poorly conserved position in the protein, it is predicted to be benign by multiple in silico algorithms, and/or has population frequency not consistent with disease.

Breakthrough Genomics
Classification: Likely benign. Review status: criteria provided, single submitter. Criteria: ACMG Guidelines, 2015. Collection method: not provided. Allele origin: germline. Inheritance: Autosomal dominant inheritance. Affected: yes.